The following is an entry in ClinVar:

NM_177438.3(DICER1):c.2002T>C (p.Tyr668His)

Gene: DICER1 (dicer 1, ribonuclease III; minus strand). Cytogenetic location: 14q32.13.
Variant type: single nucleotide variant.
Coding change: c.2002T>C on transcript NM_177438.3 (MANE Select); coding-DNA position 2002, T replaced by C.
Protein change: p.Tyr668His; replaces tyrosine 668 with histidine.
Molecular consequence: missense variant.
Genome position (GRCh38, 1-based): chr14:95,113,130, A>G on the plus strand (T>C on the coding strand, the complement: DICER1 is on the minus strand). VCF-style: chr14-95113130-A-G. GRCh37 (hg19) VCF-style: chr14-95579467-A-G.
Other names: c.2002T>C, p.Tyr668His (NM_001195573.1, NM_001271282.3, NM_001291628.2 and 1 more transcripts); short protein forms Y668H.
Identifiers: ClinVar variation 643640 (VCV000643640.10), dbSNP rs1555372059, ClinGen allele CA390883230.

ClinVar aggregate classification (germline): Uncertain significance (1 of 4 stars; one submission).

Conditions:
DICER1-related tumor predisposition. Also called: DICER1 syndrome; DICER1-related pleuropulmonary blastoma cancer predisposition syndrome. Identifiers: Orphanet 284343, MedGen C3839822, MONDO:0100216.

Submission:

Labcorp Genetics (formerly Invitae), Labcorp
Classification: Uncertain significance for DICER1-related tumor predisposition. Last evaluated: 2018-12-03. Review status: criteria provided, single submitter. Criteria: Invitae Variant Classification Sherloc (09022015). Collection method: clinical testing. Allele origin: germline.
Comment: In summary, the available evidence is currently insufficient to determine the role of this variant in disease. Therefore, it has been classified as a Variant of Uncertain Significance. Algorithms developed to predict the effect of missense changes on protein structure and function (SIFT, PolyPhen-2, Align-GVGD) all suggest that this variant is likely to be tolerated, but these predictions have not been confirmed by published functional studies and their clinical significance is uncertain. This variant has not been reported in the literature in individuals with DICER1-related conditions. This variant is not present in population databases (ExAC no frequency). This sequence change replaces tyrosine with histidine at codon 668 of the DICER1 protein (p.Tyr668His). The tyrosine residue is moderately conserved and there is a moderate physicochemical difference between tyrosine and histidine.